The following is an entry in ClinVar:

NM_001378030.1(CCDC78):c.1302-2_1302-1insC

Gene: CCDC78 (coiled-coil domain containing 78; minus strand). Cytogenetic location: 16p13.3.
Variant type: Insertion.
Coding change: c.1302-2_1302-1insC on transcript NM_001378030.1 (MANE Select); the canonical splice acceptor site of the intron before coding-DNA position 1302, C inserted.
Molecular consequence: splice acceptor variant.
Genome position: GRCh38 VCF-style: chr16-722790-C-CG. GRCh37 (hg19) VCF-style: chr16-772790-C-CG.
Other names: c.735-2_735-1insC (NM_001378033.1); c.1122-2_1122-1insC (NM_001378031.1); c.1298-2_1298-1insC (NM_001031737.3).
Identifiers: ClinVar variation 3705438 (VCV003705438.2).

ClinVar aggregate classification (germline): Uncertain significance (1 of 4 stars; one submission).

Conditions:
Congenital myopathy with internal nuclei and atypical cores. Also called: Myopathy, centronuclear, 4. Identifiers: Orphanet 319160, MedGen C4707232, MONDO:0013890, OMIM 614807.

Submission:

Labcorp Genetics (formerly Invitae), Labcorp
Classification: Uncertain significance for Congenital myopathy with internal nuclei and atypical cores. Last evaluated: 2024-12-31. Review status: criteria provided, single submitter. Criteria: Invitae Variant Classification Sherloc (09022015). Collection method: clinical testing. Allele origin: germline.
Comment: This sequence change falls in intron 13 of the CCDC78 gene. It does not directly change the encoded amino acid sequence of the CCDC78 protein. It affects a nucleotide within the consensus splice site. This variant is not present in population databases (gnomAD no frequency). This variant has not been reported in the literature in individuals affected with CCDC78-related conditions. Variants that disrupt the consensus splice site are a relatively common cause of aberrant splicing (PMID: 17576681, 9536098). Algorithms developed to predict the effect of sequence changes on RNA splicing suggest that this variant may disrupt the consensus splice site. In summary, the available evidence is currently insufficient to determine the role of this variant in disease. Therefore, it has been classified as a Variant of Uncertain Significance.

Literature cited by the submitters: PubMed 17576681; PubMed 9536098.